The following is an entry in ClinVar:

NM_001371395.1(USP53):c.2118C>T (p.Ile706=)

Gene: USP53 (ubiquitin specific peptidase 53; plus strand). Cytogenetic location: 4q26.
Variant type: single nucleotide variant.
Coding change: c.2118C>T on transcript NM_001371395.1 (MANE Select); coding-DNA position 2118, C replaced by T.
Protein change: p.Ile706=; no amino-acid change (isoleucine 706 retained).
Molecular consequence: synonymous variant.
Genome position (GRCh38, 1-based): chr4:119,271,978, C>T. VCF-style: chr4-119271978-C-T. GRCh37 (hg19) VCF-style: chr4-120193133-C-T.
Other names: c.1617C>T, p.Ile539= (NM_001389665.1, NM_001389667.1); c.1770C>T, p.Ile590= (NM_001389666.1, NM_001389662.1, NM_001389663.1 and 1 more transcripts); c.2118C>T, p.Ile706= (NM_019050.3, NM_001371397.1, NM_001371398.1 and 3 more transcripts); c.1965C>T, p.Ile655= (NM_001371396.1, NM_001389661.1); c.1968C>T, p.Ile656= (NM_001389660.1); c.2118C>T (NM_019050.2).
Identifiers: ClinVar variation 2720900 (VCV002720900.4), dbSNP rs374997566, ClinGen allele CA3059277.

ClinVar aggregate classification (germline): Likely benign. Review status: criteria provided, multiple submitters, no conflicts (2 of 4 stars). 2 submissions from 2 submitters: Likely benign (2). Last evaluated 2025-12-18.

Conditions:
USP53-related disorder. Also called: USP53-related condition.

Allele frequency attached by ClinVar (database versions not stated): ESP Exome Variant Server 0.00025; gnomAD exomes 0.00014; TOPMed 0.00016; ExAC 0.00019; gnomAD 0.00019.
gnomAD v4.1: 229 of 1,612,832 alleles (0.014%); highest among the groups gnomAD compares: Non-Finnish European, 0.017%; 1 homozygote.

Submissions (2):

PreventionGenetics, part of Exact Sciences
Classification: Likely benign for USP53-related condition. Last evaluated: 2025-12-18. Review status: criteria provided, single submitter. Criteria: ACMG Guidelines, 2015. Collection method: clinical testing. Allele origin: germline.
Comment: This variant is classified as likely benign based on ACMG/AMP sequence variant interpretation guidelines (Richards et al. 2015 PMID: 25741868, with internal and published modifications).

Labcorp Genetics (formerly Invitae), Labcorp
Classification: Likely benign. Last evaluated: 2025-10-18. Review status: criteria provided, single submitter. Criteria: Invitae Variant Classification Sherloc (09022015). Collection method: clinical testing. Allele origin: germline.